The following is an entry in ClinVar:

NM_001430.5(EPAS1):c.1261T>G (p.Phe421Val)

Gene: EPAS1 (endothelial PAS domain protein 1; plus strand). Cytogenetic location: 2p21.
Variant type: single nucleotide variant.
Coding change: c.1261T>G on transcript NM_001430.5 (MANE Select); coding-DNA position 1261, T replaced by G.
Protein change: p.Phe421Val; replaces phenylalanine 421 with valine.
Molecular consequence: missense variant.
Genome position (GRCh38, 1-based): chr2:46,377,905, T>G. VCF-style: chr2-46377905-T-G. GRCh37 (hg19) VCF-style: chr2-46605044-T-G.
Other names: short protein forms F421V.
Identifiers: ClinVar variation 2560752 (VCV002560752.2), dbSNP rs2546473351, ClinGen allele CA346703611.

ClinVar aggregate classification (germline): Uncertain significance (1 of 4 stars; one submission).

Conditions:
Inborn genetic diseases. Identifiers: MedGen C0950123, MeSH D030342.

Submission:

Ambry Genetics
Classification: Uncertain significance for Inborn genetic diseases. Last evaluated: 2023-04-23. Review status: criteria provided, single submitter. Criteria: Ambry Variant Classification Scheme 2023. Collection method: clinical testing. Allele origin: germline.
Comment: The p.F421V variant (also known as c.1261T>G), located in coding exon 10 of the EPAS1 gene, results from a T to G substitution at nucleotide position 1261. The phenylalanine at codon 421 is replaced by valine, an amino acid with highly similar properties. This amino acid position is conserved. In addition, the in silico prediction for this alteration is inconclusive. Since supporting evidence is limited at this time, the clinical significance of this alteration remains unclear.